The following is an entry in ClinVar:

NM_000059.4(BRCA2):c.4622A>G (p.Lys1541Arg)

Gene: BRCA2 (BRCA2 DNA repair associated; plus strand). Cytogenetic location: 13q13.1.
Variant type: single nucleotide variant.
Coding change: c.4622A>G on transcript NM_000059.4 (MANE Select); coding-DNA position 4622, A replaced by G.
Protein change: p.Lys1541Arg; replaces lysine 1541 with arginine.
Molecular consequence: missense variant.
Genome position (GRCh38, 1-based): chr13:32,338,977, A>G. VCF-style: chr13-32338977-A-G. GRCh37 (hg19) VCF-style: chr13-32913114-A-G.
Other names: short protein forms K1541R.
Identifiers: ClinVar variation 928771 (VCV000928771.6), dbSNP rs747899091, ClinGen allele CA6940799.

ClinVar aggregate classification (germline): Conflicting classifications of pathogenicity. Review status: criteria provided, conflicting classifications (1 of 4 stars). 3 submissions from 3 submitters: Uncertain significance (2); Likely benign (1). Last evaluated 2025-01-23.

Conditions:
Hereditary cancer-predisposing syndrome. Also called: Neoplastic Syndromes, Hereditary; Hereditary Cancer Syndrome; Tumor predisposition; Hereditary neoplastic syndrome. Identifiers: Orphanet 140162, MedGen C0027672, MeSH D009386, MONDO:0015356.
Hereditary breast ovarian cancer syndrome. Also called: Hereditary breast and ovarian cancer syndrome; Hereditary breast and ovarian cancer syndrome (HBOC); Hereditary breast and/or ovarian cancer syndrome; Hereditary breast and ovarian cancer; Breast and ovarian cancer; BRCA1- and BRCA2-Associated Hereditary Breast and Ovarian Cancer. Identifiers: Orphanet 145, MedGen C0677776, MeSH D061325, MONDO:0003582. Disease mechanism: loss of function.

Allele frequency attached by ClinVar (database versions not stated): gnomAD exomes 0.00001; ExAC 0.00002.
gnomAD v4.1: 3 of 1,613,738 alleles (0.00019%); highest among the groups gnomAD compares: Admixed American, 0.005%; no homozygotes.

Submissions (3):

Labcorp Genetics (formerly Invitae), Labcorp
Classification: Uncertain significance for Hereditary breast ovarian cancer syndrome. Last evaluated: 2025-01-23. Review status: criteria provided, single submitter. Criteria: Invitae Variant Classification Sherloc (09022015). Collection method: clinical testing. Allele origin: germline.
Comment: This sequence change replaces lysine, which is basic and polar, with arginine, which is basic and polar, at codon 1541 of the BRCA2 protein (p.Lys1541Arg). This variant is present in population databases (rs747899091, gnomAD 0.009%). This variant has not been reported in the literature in individuals affected with BRCA2-related conditions. ClinVar contains an entry for this variant (Variation ID: 928771). Invitae Evidence Modeling of protein sequence and biophysical properties (such as structural, functional, and spatial information, amino acid conservation, physicochemical variation, residue mobility, and thermodynamic stability) indicates that this missense variant is not expected to disrupt BRCA2 protein function with a negative predictive value of 95%. In summary, the available evidence is currently insufficient to determine the role of this variant in disease. Therefore, it has been classified as a Variant of Uncertain Significance.

University of Washington Department of Laboratory Medicine, University of Washington
Classification: Likely benign for Hereditary cancer-predisposing syndrome. Last evaluated: 2023-03-23. Review status: criteria provided, single submitter. Criteria: Dines et al. (Genet Med. 2020). Collection method: curation. Allele origin: germline.
Comment: Missense variant in a coldspot region where missense variants are very unlikely to be pathogenic (PMID:31911673).

BRCA2 exon 11 coldspot. Reclassification based on statistical prior probability.

Women's Health and Genetics/Laboratory Corporation of America, LabCorp
Classification: Uncertain significance. Last evaluated: 2019-02-28. Review status: criteria provided, single submitter. Criteria: LabCorp Variant Classification Summary - May 2015. Collection method: clinical testing. Allele origin: germline.
Comment: Variant summary: The variant, BRCA2 c.4622A>G (p.Lys1541Arg) results in a conservative amino acid change located in the BRCA2 repeat domain of the encoded protein sequence. Four of five in-silico tools predict a damaging effect of the variant on protein function. The variant allele was found at a frequency of 1.2e-05 in 245584 control chromosomes (gnomAD). The available data on variant occurrences in the general population are insufficient to allow any conclusion about variant significance. To our knowledge, no occurrence of c.4622A>G in individuals affected with Hereditary Breast and Ovarian Cancer and no experimental evidence demonstrating its impact on protein function have been reported. No clinical diagnostic laboratories have submitted clinical-significance assessments for this variant to ClinVar after 2014. Based on the evidence outlined above, the variant was classified as uncertain significance.